The following is an entry in ClinVar:

NM_000878.5(IL2RB):c.267C>T (p.Ile89=)

Gene: IL2RB (interleukin 2 receptor subunit beta; minus strand). Cytogenetic location: 22q12.3.
Variant type: single nucleotide variant.
Coding change: c.267C>T on transcript NM_000878.5 (MANE Select); coding-DNA position 267, C replaced by T.
Protein change: p.Ile89=; no amino-acid change (isoleucine 89 retained).
Molecular consequence: synonymous variant.
Genome position (GRCh38, 1-based): chr22:37,142,449, G>A on the plus strand (C>T on the coding strand, the complement: IL2RB is on the minus strand). VCF-style: chr22-37142449-G-A. GRCh37 (hg19) VCF-style: chr22-37538489-G-A.
Other names: c.267C>T, p.Ile89= (NM_001346222.1, NM_001346223.2).
Identifiers: ClinVar variation 1626310 (VCV001626310.12), dbSNP rs771097985, ClinGen allele CA10216681.
Genomic context (GRCh38, chr22:37,142,449, plus strand): 5'-GAGACCACCCTCTCCCTGCACTCTCTCCCTGGGTGGGCTACTCACATCTGGGGCTCCGAG[G>A]ATCAGGTTGCAGGCCCAGGATGCTTGACTCACGGGGAGCAGCTCACAGGTTTGGTTCCAC-3'
Protein context (NP_000869.1, residues 79-99): VSQASWACNL[Ile89=]LGAPDSQKLT

ClinVar aggregate classification (germline): Likely benign. Review status: criteria provided, multiple submitters, no conflicts (2 of 4 stars). 2 submissions from 2 submitters: Likely benign (2). Last evaluated 2026-01-01.

Allele frequency attached by ClinVar (database versions not stated): ExAC 0.00001; gnomAD 0.00001; gnomAD exomes 0.00001.
gnomAD v4.1: 15 of 1,614,010 alleles (0.00093%); highest among the groups gnomAD compares: Non-Finnish European, 0.00025%; no homozygotes.

Submissions (2):

CeGaT Center for Human Genetics Tuebingen
Classification: Likely benign. Last evaluated: 2026-01-01. Review status: criteria provided, single submitter. Criteria: CeGaT Center For Human Genetics Tuebingen Variant Classification Criteria Version 2. Collection method: clinical testing. Allele origin: germline. Affected: yes. Observed: 1 variant allele.
Comment: IL2RB: BP4

Labcorp Genetics (formerly Invitae), Labcorp
Classification: Likely benign. Last evaluated: 2021-11-30. Review status: criteria provided, single submitter. Criteria: Invitae Variant Classification Sherloc (09022015). Collection method: clinical testing. Allele origin: germline.